The following is an entry in ClinVar:

ClinVar aggregate classification (germline): Uncertain significance (1 of 4 stars; one submission).

Submission:

GeneDx
Classification: Uncertain significance. Last evaluated: 2025-01-16. Review status: criteria provided, single submitter. Criteria: GeneDx Variant Classification Process June 2021. Collection method: clinical testing. Allele origin: germline. Affected: yes.
Comment: Not observed at significant frequency in large population cohorts (gnomAD); In silico analysis indicates that this missense variant does not alter protein structure/function; Has not been previously published as pathogenic or benign to our knowledge

NM_001184880.2(PCDH19):c.2105A>G (p.Lys702Arg)

Gene: PCDH19 (protocadherin 19; minus strand). Cytogenetic location: Xq22.1.
Variant type: single nucleotide variant.
Coding change: c.2105A>G on transcript NM_001184880.2 (MANE Select); coding-DNA position 2105, A replaced by G.
Protein change: p.Lys702Arg; replaces lysine 702 with arginine.
Molecular consequence: missense variant.
Genome position (GRCh38, 1-based): chrX:100,406,493, T>C on the plus strand (A>G on the coding strand, the complement: PCDH19 is on the minus strand). VCF-style: chrX-100406493-T-C. GRCh37 (hg19) VCF-style: chrX-99661491-T-C.
Other names: c.2105A>G, p.Lys702Arg (NM_001105243.2, NM_020766.3); short protein forms K702R.
Identifiers: ClinVar variation 4070851 (VCV004070851.1).